The following is an entry in ClinVar:

ClinVar aggregate classification (germline): Uncertain significance (1 of 4 stars; one submission).

Conditions:
Atrioventricular septal defect 4 (AVSD4). Identifiers: MedGen C3280781, MONDO:0013747, OMIM 614430.

gnomAD v4.1: 2 of 1,358,342 alleles (0.00015%); highest among the groups gnomAD compares: East Asian, 0.0031%; no homozygotes.

Submission:

Labcorp Genetics (formerly Invitae), Labcorp
Classification: Uncertain significance for Atrioventricular septal defect 4. Last evaluated: 2024-10-22. Review status: criteria provided, single submitter. Criteria: Invitae Variant Classification Sherloc (09022015). Collection method: clinical testing. Allele origin: germline.
Comment: This sequence change replaces glycine, which is neutral and non-polar, with arginine, which is basic and polar, at codon 96 of the GATA4 protein (p.Gly96Arg). This variant is not present in population databases (gnomAD no frequency). This missense change has been observed in individual(s) with ventricular septal defects (PMID: 22648249). It has also been observed to segregate with disease in related individuals. ClinVar contains an entry for this variant (Variation ID: 1394808). Invitae Evidence Modeling of protein sequence and biophysical properties (such as structural, functional, and spatial information, amino acid conservation, physicochemical variation, residue mobility, and thermodynamic stability) indicates that this missense variant is not expected to disrupt GATA4 protein function with a negative predictive value of 95%. In summary, the available evidence is currently insufficient to determine the role of this variant in disease. Therefore, it has been classified as a Variant of Uncertain Significance.

Literature cited by the submitters: PubMed 22648249.

NM_001308093.3(GATA4):c.286G>A (p.Gly96Arg)

Gene: GATA4 (GATA binding protein 4). Cytogenetic location: 8p23.1.
Variant type: single nucleotide variant.
Coding change: c.286G>A on transcript NM_001308093.3 (MANE Select); coding-DNA position 286, G replaced by A.
Protein change: p.Gly96Arg; replaces glycine 96 with arginine.
Molecular consequence: missense variant. On other transcripts: intron variant (3).
Genome position (GRCh38, 1-based): chr8:11,708,598, G>A. VCF-style: chr8-11708598-G-A. GRCh37 (hg19) VCF-style: chr8-11566107-G-A.
Other names: c.286G>A, p.Gly96Arg (NM_002052.5); c.-6+7820G>A (NM_001308094.2); c.-3+584G>A (NM_001374274.1); c.-3+4294G>A (NM_001374273.1); short protein forms G96R.
Identifiers: ClinVar variation 1394808 (VCV001394808.6), dbSNP rs2130069132, ClinGen allele CA370309313.